The following is an entry in ClinVar:

NM_001379500.1(COL18A1):c.2041G>A (p.Gly681Arg)

Gene: COL18A1 (collagen type XVIII alpha 1 chain; plus strand). Cytogenetic location: 21q22.3.
Variant type: single nucleotide variant.
Coding change: c.2041G>A on transcript NM_001379500.1 (MANE Select); coding-DNA position 2041, G replaced by A.
Protein change: p.Gly681Arg; replaces glycine 681 with arginine.
Molecular consequence: missense variant.
Genome position (GRCh38, 1-based): chr21:45,490,845, G>A. VCF-style: chr21-45490845-G-A. GRCh37 (hg19) VCF-style: chr21-46910759-G-A.
Other names: c.2581G>A, p.Gly861Arg (NM_030582.4); c.3286G>A, p.Gly1096Arg (NM_130444.3); short protein forms G1096R, G861R, G681R.
Identifiers: ClinVar variation 2101123 (VCV002101123.4), dbSNP rs2517681199, ClinGen allele CA410496869.

ClinVar aggregate classification (germline): Uncertain significance (1 of 4 stars; one submission).

Submission:

Labcorp Genetics (formerly Invitae), Labcorp
Classification: Uncertain significance. Last evaluated: 2022-02-21. Review status: criteria provided, single submitter. Criteria: Invitae Variant Classification Sherloc (09022015). Collection method: clinical testing. Allele origin: germline.
Comment: In summary, the available evidence is currently insufficient to determine the role of this variant in disease. Therefore, it has been classified as a Variant of Uncertain Significance. Experimental studies and prediction algorithms are not available or were not evaluated, and the functional significance of this variant is currently unknown. This variant has not been reported in the literature in individuals affected with COL18A1-related conditions. This variant is not present in population databases (gnomAD no frequency). This sequence change replaces glycine, which is neutral and non-polar, with arginine, which is basic and polar, at codon 681 of the COL18A1 protein (p.Gly681Arg).